The following is an entry in ClinVar:

ClinVar aggregate classification (germline): Conflicting classifications of pathogenicity. Review status: criteria provided, conflicting classifications (1 of 4 stars). 2 submissions from 2 submitters: Likely pathogenic (1); Uncertain significance (1). Last evaluated 2022-12-29.

Conditions:
Congenital dyserythropoietic anemia type type 1B (CDAN1B). Also called: C15ORF41-Related Congenital Dyserythropoietic Anemia; ANEMIA, CONGENITAL DYSERYTHROPOIETIC, TYPE Ib; CDA, TYPE Ib. Identifiers: Orphanet 98869, MedGen C3810185, MONDO:0014285, OMIM 615631.

Allele frequency attached by ClinVar (database versions not stated): ExAC 0.00001; gnomAD 0.00001; gnomAD exomes 0.00002; TOPMed 0.00002.
gnomAD v4.1: 10 of 1,611,338 alleles (0.00062%); highest among the groups gnomAD compares: Admixed American, 0.015%; no homozygotes.

Submissions (2):

Labcorp Genetics (formerly Invitae), Labcorp
Classification: Uncertain significance. Last evaluated: 2022-12-29. Review status: criteria provided, single submitter. Criteria: Invitae Variant Classification Sherloc (09022015). Collection method: clinical testing. Allele origin: germline.
Comment: In summary, the available evidence is currently insufficient to determine the role of this variant in disease. Therefore, it has been classified as a Variant of Uncertain Significance. This variant disrupts the p.Tyr94 amino acid residue in C15orf41. Other variant(s) that disrupt this residue have been determined to be pathogenic (PMID: 23716552). This suggests that this residue is clinically significant, and that variants that disrupt this residue are likely to be disease-causing. Experimental studies have shown that this missense change affects C15orf41 function (PMID: 31191338). Advanced modeling of protein sequence and biophysical properties (such as structural, functional, and spatial information, amino acid conservation, physicochemical variation, residue mobility, and thermodynamic stability) performed at Invitae indicates that this missense variant is not expected to disrupt C15orf41 protein function. ClinVar contains an entry for this variant (Variation ID: 692134). This missense change has been observed in individual(s) with dyserythropoietic anemia type 1 (PMID: 31191338). This variant is present in population databases (rs587777101, gnomAD 0.02%). This sequence change replaces tyrosine, which is neutral and polar, with serine, which is neutral and polar, at codon 94 of the C15orf41 protein (p.Tyr94Ser).

SIB Swiss Institute of Bioinformatics
Classification: Likely pathogenic for Congenital dyserythropoietic anemia type type 1B. Last evaluated: 2019-07-11. Review status: criteria provided, single submitter. Criteria: ACMG Guidelines, 2015. Collection method: curation. Allele origin: unknown.
Comment: This variant is interpreted as a Likely pathogenic for congenital dyserythropoietic anemia type Ib, autosomal recessive. The following ACMG Tag(s) were applied: PM2; PS3.

Literature cited by the submitters: PubMed 23716552 (cited by Labcorp Genetics (formerly Invitae), Labcorp); PubMed 31191338 (cited by Labcorp Genetics (formerly Invitae), Labcorp and SIB Swiss Institute of Bioinformatics).

NM_001321759.2(CDIN1):c.281A>C (p.Tyr94Ser)

Gene: CDIN1 (CDAN1 interacting nuclease 1; plus strand). Cytogenetic location: 15q14.
Variant type: single nucleotide variant.
Coding change: c.281A>C on transcript NM_001321759.2 (MANE Select); coding-DNA position 281, A replaced by C.
Protein change: p.Tyr94Ser; replaces tyrosine 94 with serine.
Molecular consequence: missense variant. On other transcripts: 5 prime UTR variant (4).
Genome position (GRCh38, 1-based): chr15:36,657,840, A>C. VCF-style: chr15-36657840-A-C. GRCh37 (hg19) VCF-style: chr15-36950041-A-C.
Other names: c.281A>C, p.Tyr94Ser (NM_001130010.3, NM_001290233.2, NM_001321760.2 and 1 more transcripts); c.-14A>C (NM_001290232.2, NM_001321756.2, NM_032499.6); c.-123A>C (NM_001321757.2); c.170A>C, p.Tyr57Ser (NM_001321758.2); short protein forms Y57S, Y94S.
Identifiers: ClinVar variation 692134 (VCV000692134.4), dbSNP rs587777101, ClinGen allele CA7468784.
Genomic context (GRCh38, chr15:36,657,840, plus strand): 5'-TCCACTGCTCGCACAACTTGATAGTTTTAATTTTCTACTTCTGTTTTATAAAGGTGGACT[A>C]TGCGCCCTCATTAATGGCTCGGCTTATACTGGAGAGGTTTCTACAGGAACACGAGGAAAC-3'
Protein context (NP_001308688.1, residues 84-104): VLLDLANEVD[Tyr94Ser]APSLMARLIL